The following is an entry in ClinVar:

ClinVar aggregate classification (germline): Uncertain significance (1 of 4 stars; one submission).

gnomAD v4.1: 7 of 1,614,140 alleles (0.00043%); highest among the groups gnomAD compares: Admixed American, 0.0033%; no homozygotes.

Submission:

Labcorp Genetics (formerly Invitae), Labcorp
Classification: Uncertain significance. Last evaluated: 2025-07-31. Review status: criteria provided, single submitter. Criteria: Invitae Variant Classification Sherloc (09022015). Collection method: clinical testing. Allele origin: germline.
Comment: This sequence change replaces alanine, which is neutral and non-polar, with valine, which is neutral and non-polar, at codon 832 of the NIN protein (p.Ala832Val). This variant is present in population databases (no rsID available, gnomAD 0.003%). This variant has not been reported in the literature in individuals affected with NIN-related conditions. An algorithm developed to predict the effect of missense changes on protein structure and function (PolyPhen-2) suggests that this variant is likely to be disruptive. In summary, the available evidence is currently insufficient to determine the role of this variant in disease. Therefore, it has been classified as a Variant of Uncertain Significance.

NM_020921.4(NIN):c.2495C>T (p.Ala832Val)

Gene: NIN (ninein; minus strand). Cytogenetic location: 14q22.1.
Variant type: single nucleotide variant.
Coding change: c.2495C>T on transcript NM_020921.4 (MANE Select); coding-DNA position 2495, C replaced by T.
Protein change: p.Ala832Val; replaces alanine 832 with valine.
Molecular consequence: missense variant. On other transcripts: intron variant (1).
Genome position (GRCh38, 1-based): chr14:50,758,535, G>A on the plus strand (C>T on the coding strand, the complement: NIN is on the minus strand). VCF-style: chr14-50758535-G-A. GRCh37 (hg19) VCF-style: chr14-51225253-G-A.
Other names: c.2495C>T, p.Ala832Val (NM_182944.3, NM_182946.2); c.2399+1322C>T (NM_016350.5); short protein forms A832V.
Identifiers: ClinVar variation 4738530 (VCV004738530.1).